The following is an entry in ClinVar:

ClinVar aggregate classification (germline): Uncertain significance. Review status: criteria provided, multiple submitters, no conflicts (2 of 4 stars). 3 submissions from 3 submitters: Uncertain significance (3). Last evaluated 2022-08-19.

Conditions:
Inborn genetic diseases. Identifiers: MedGen C0950123, MeSH D030342.
Predisposition to invasive fungal disease due to CARD9 deficiency (IMD103). Also called: CARD9 IMMUNODEFICIENCY; Candidiasis, familial, 2, autosomal recessive; IMMUNODEFICIENCY 103, SUSCEPTIBILITY TO FUNGAL INFECTIONS. Identifiers: Orphanet 457088, MedGen C1859353, MONDO:0008905, OMIM 212050.

Allele frequency attached by ClinVar (database versions not stated): gnomAD 0.00001 and 0.00005; TOPMed 0.00002; 1000 Genomes Project 0.00040; 1000 Genomes Project 30x 0.00047.

Submissions (3):

Labcorp Genetics (formerly Invitae), Labcorp
Classification: Uncertain significance for Predisposition to invasive fungal disease due to CARD9 deficiency. Last evaluated: 2022-08-19. Review status: criteria provided, single submitter. Criteria: Invitae Variant Classification Sherloc (09022015). Collection method: clinical testing. Allele origin: germline.
Comment: This sequence change replaces alanine, which is neutral and non-polar, with valine, which is neutral and non-polar, at codon 392 of the CARD9 protein (p.Ala392Val). This variant is present in population databases (rs567395579, gnomAD 0.1%). This variant has not been reported in the literature in individuals affected with CARD9-related conditions. ClinVar contains an entry for this variant (Variation ID: 365837). Algorithms developed to predict the effect of missense changes on protein structure and function output the following: SIFT: "Tolerated"; PolyPhen-2: "Benign"; Align-GVGD: "Class C0". The valine amino acid residue is found in multiple mammalian species, which suggests that this missense change does not adversely affect protein function. Algorithms developed to predict the effect of sequence changes on RNA splicing suggest that this variant may create or strengthen a splice site. In summary, the available evidence is currently insufficient to determine the role of this variant in disease. Therefore, it has been classified as a Variant of Uncertain Significance.

Ambry Genetics
Classification: Uncertain significance for Inborn genetic diseases. Last evaluated: 2021-07-15. Review status: criteria provided, single submitter. Criteria: Ambry Variant Classification Scheme 2023. Collection method: clinical testing. Allele origin: germline.

Illumina Laboratory Services, Illumina
Classification: Uncertain significance for Predisposition to invasive fungal disease due to CARD9 deficiency. Last evaluated: 2018-01-13. Review status: criteria provided, single submitter. Criteria: ICSL Variant Classification Criteria 13 December 2019. Collection method: clinical testing. Allele origin: germline.

NM_052813.5(CARD9):c.1175C>T (p.Ala392Val)

Gene: CARD9 (caspase recruitment domain family member 9; minus strand). Cytogenetic location: 9q34.3.
Variant type: single nucleotide variant.
Coding change: c.1175C>T on transcript NM_052813.5 (MANE Select); coding-DNA position 1175, C replaced by T.
Protein change: p.Ala392Val; replaces alanine 392 with valine.
Molecular consequence: missense variant.
Genome position (GRCh38, 1-based): chr9:136,367,731, G>A on the plus strand (C>T on the coding strand, the complement: CARD9 is on the minus strand). VCF-style: chr9-136367731-G-A. GRCh37 (hg19) VCF-style: chr9-139262183-G-A.
Other names: c.1175C>T, p.Ala392Val (NM_052814.4); short protein forms A392V.
Identifiers: ClinVar variation 365837 (VCV000365837.8), dbSNP rs567395579, ClinGen allele CA5332802.